The following is an entry in ClinVar:

NM_006922.4(SCN3A):c.747T>A (p.Asp249Glu)

Gene: SCN3A (sodium voltage-gated channel alpha subunit 3; minus strand). Cytogenetic location: 2q24.3.
Variant type: single nucleotide variant.
Coding change: c.747T>A on transcript NM_006922.4 (MANE Select); coding-DNA position 747, T replaced by A.
Protein change: p.Asp249Glu; replaces aspartic acid 249 with glutamic acid.
Molecular consequence: missense variant.
Genome position (GRCh38, 1-based): chr2:165,162,776, A>T on the plus strand (T>A on the coding strand, the complement: SCN3A is on the minus strand). VCF-style: chr2-165162776-A-T. GRCh37 (hg19) VCF-style: chr2-166019286-A-T.
Other names: c.747T>A, p.Asp249Glu (NM_001081676.2, NM_001081677.2); short protein forms D249E.
Identifiers: ClinVar variation 963328 (VCV000963328.7), dbSNP rs1689488385, ClinGen allele CA349239339.

ClinVar aggregate classification (germline): Uncertain significance (1 of 4 stars; one submission).

Submission:

Labcorp Genetics (formerly Invitae), Labcorp
Classification: Uncertain significance. Last evaluated: 2023-04-24. Review status: criteria provided, single submitter. Criteria: Invitae Variant Classification Sherloc (09022015). Collection method: clinical testing. Allele origin: germline.
Comment: ClinVar contains an entry for this variant (Variation ID: 963328). This sequence change replaces aspartic acid, which is acidic and polar, with glutamic acid, which is acidic and polar, at codon 249 of the SCN3A protein (p.Asp249Glu). This variant has not been reported in the literature in individuals affected with SCN3A-related conditions. This variant is not present in population databases (gnomAD no frequency). In summary, the available evidence is currently insufficient to determine the role of this variant in disease. Therefore, it has been classified as a Variant of Uncertain Significance. Advanced modeling of protein sequence and biophysical properties (such as structural, functional, and spatial information, amino acid conservation, physicochemical variation, residue mobility, and thermodynamic stability) has been performed at Invitae for this missense variant, however the output from this modeling did not meet the statistical confidence thresholds required to predict the impact of this variant on SCN3A protein function.